The following is an entry in ClinVar:

ClinVar aggregate classification (germline): Uncertain significance (1 of 4 stars; one submission).

Submission:

Labcorp Genetics (formerly Invitae), Labcorp
Classification: Uncertain significance. Last evaluated: 2025-05-22. Review status: criteria provided, single submitter. Criteria: Invitae Variant Classification Sherloc (09022015). Collection method: clinical testing. Allele origin: germline.
Comment: This sequence change replaces phenylalanine, which is neutral and non-polar, with leucine, which is neutral and non-polar, at codon 665 of the AHDC1 protein (p.Phe665Leu). This variant is not present in population databases (gnomAD no frequency). This variant has not been reported in the literature in individuals affected with AHDC1-related conditions. An algorithm developed to predict the effect of missense changes on protein structure and function (PolyPhen-2) suggests that this variant is likely to be tolerated. In summary, the available evidence is currently insufficient to determine the role of this variant in disease. Therefore, it has been classified as a Variant of Uncertain Significance.

NM_001371928.1(AHDC1):c.1993T>C (p.Phe665Leu)

Gene: AHDC1 (AT-hook DNA binding motif containing 1; minus strand). Cytogenetic location: 1p36.11.
Variant type: single nucleotide variant.
Coding change: c.1993T>C on transcript NM_001371928.1 (MANE Select); coding-DNA position 1993, T replaced by C.
Protein change: p.Phe665Leu; replaces phenylalanine 665 with leucine.
Molecular consequence: missense variant.
Genome position (GRCh38, 1-based): chr1:27,550,123, A>G on the plus strand (T>C on the coding strand, the complement: AHDC1 is on the minus strand). VCF-style: chr1-27550123-A-G. GRCh37 (hg19) VCF-style: chr1-27876634-A-G.
Other names: c.1993T>C, p.Phe665Leu (NM_001029882.3); short protein forms F665L.
Identifiers: ClinVar variation 4719992 (VCV004719992.1).